The following is an entry in ClinVar:

ClinVar aggregate classification (germline): Uncertain significance (1 of 4 stars; one submission).

Conditions:
Inborn genetic diseases. Identifiers: MedGen C0950123, MeSH D030342.

gnomAD v4.1: 2 of 1,614,068 alleles (0.00012%); highest among the groups gnomAD compares: Admixed American, 0.0033%; no homozygotes.

Submission:

Ambry Genetics
Classification: Uncertain significance for Inborn genetic diseases. Last evaluated: 2026-01-15. Review status: criteria provided, single submitter. Criteria: Ambry Variant Classification Scheme 2023. Collection method: clinical testing. Allele origin: germline.
Comment: The p.G625D variant (also known as c.1874G>A), located in coding exon 12 of the BMPR2 gene, results from a G to A substitution at nucleotide position 1874. The glycine at codon 625 is replaced by aspartic acid, an amino acid with similar properties. This amino acid position is conserved. In addition, the in silico prediction for this alteration is inconclusive. Based on the available evidence, the clinical significance of this variant remains unclear.

NM_001204.7(BMPR2):c.1874G>A (p.Gly625Asp)

Gene: BMPR2 (bone morphogenetic protein receptor type 2; plus strand). Cytogenetic location: 2q33.2.
Variant type: single nucleotide variant.
Coding change: c.1874G>A on transcript NM_001204.7 (MANE Select); coding-DNA position 1874, G replaced by A.
Protein change: p.Gly625Asp; replaces glycine 625 with aspartic acid.
Molecular consequence: missense variant.
Genome position (GRCh38, 1-based): chr2:202,555,539, G>A. VCF-style: chr2-202555539-G-A. GRCh37 (hg19) VCF-style: chr2-203420262-G-A.
Other names: short protein forms G625D.
Identifiers: ClinVar variation 4824904 (VCV004824904.1).